The following is an entry in ClinVar:

ClinVar aggregate classification (germline): Uncertain significance (1 of 4 stars; one submission).

Conditions:
Cardiovascular phenotype. Identifiers: MedGen CN230736.

Submission:

Ambry Genetics
Classification: Uncertain significance for Cardiovascular phenotype. Last evaluated: 2025-11-16. Review status: criteria provided, single submitter. Criteria: Ambry Variant Classification Scheme 2023. Collection method: clinical testing. Allele origin: germline.
Comment: The p.M1327T variant (also known as c.3980T>C), located in coding exon 33 of the ANK2 gene, results from a T to C substitution at nucleotide position 3980. The methionine at codon 1327 is replaced by threonine, an amino acid with similar properties. This amino acid position is conserved. In addition, this alteration is predicted to be deleterious by in silico analysis. Based on the available evidence, the clinical significance of this variant remains unclear.

NM_001148.6(ANK2):c.3980T>C (p.Met1327Thr)

Gene: ANK2 (ankyrin 2; plus strand). Cytogenetic location: 4q26.
Variant type: single nucleotide variant.
Coding change: c.3980T>C on transcript NM_001148.6 (MANE Select); coding-DNA position 3980, T replaced by C.
Protein change: p.Met1327Thr; replaces methionine 1327 with threonine.
Molecular consequence: missense variant.
Genome position (GRCh38, 1-based): chr4:113,341,774, T>C. VCF-style: chr4-113341774-T-C. GRCh37 (hg19) VCF-style: chr4-114262930-T-C.
Other names: c.3953T>C, p.Met1318Thr (NM_001127493.3); c.3992T>C, p.Met1331Thr (NM_001354225.2); c.3881T>C, p.Met1294Thr (NM_001354228.2, NM_001354258.2); c.3959T>C, p.Met1320Thr (NM_001354230.2); c.4022T>C, p.Met1341Thr (NM_001354231.2, NM_001354242.2); c.4016T>C, p.Met1339Thr (NM_001354232.2); c.3977T>C, p.Met1326Thr (NM_001354235.2, NM_001354246.2, NM_001354265.2); c.3878T>C, p.Met1293Thr (NM_001354236.2); and 31 more; short protein forms M1265T, M1272T, M1273T, M1275T, M1284T, M1293T, M1294T, M1306T.
Identifiers: ClinVar variation 4613568 (VCV004613568.1).